The following is an entry in ClinVar:

NM_000135.4(FANCA):c.350T>C (p.Val117Ala)

Gene: FANCA (FA complementation group A; minus strand). Cytogenetic location: 16q24.3.
Variant type: single nucleotide variant.
Coding change: c.350T>C on transcript NM_000135.4 (MANE Select); coding-DNA position 350, T replaced by C.
Protein change: p.Val117Ala; replaces valine 117 with alanine.
Molecular consequence: missense variant.
Genome position (GRCh38, 1-based): chr16:89,811,005, A>G on the plus strand (T>C on the coding strand, the complement: FANCA is on the minus strand). VCF-style: chr16-89811005-A-G. GRCh37 (hg19) VCF-style: chr16-89877413-A-G.
Other names: c.350T>C, p.Val117Ala (NM_001018112.3, NM_001286167.3, NM_001351830.2); short protein forms V117A.
Identifiers: ClinVar variation 4254168 (VCV004254168.1).
Genomic context (GRCh38, chr16:89,811,005, plus strand): 5'-AGCAGCACAGGGTGACTGGTCTCCGCTGGAGCCGTGCAGATCTGTCCCACGCTAGAGGCA[A>G]CCATCCCGGCTGAGAGAATACCCACGGGAACCCCCAGCCTTGAGGCTTGATCCTGCAAAG-3'
Protein context (NP_000126.2, residues 107-127): VPVGILSAGM[Val117Ala]ASSVGQICTA

ClinVar aggregate classification (germline): Uncertain significance (1 of 4 stars; one submission).

Conditions:
Inborn genetic diseases. Identifiers: MedGen C0950123, MeSH D030342.

gnomAD v4.1: 2 of 1,614,038 alleles (0.00012%); highest among the groups gnomAD compares: Non-Finnish European, 0.00017%; no homozygotes.

Submission:

Ambry Genetics
Classification: Uncertain significance for Inborn genetic diseases. Last evaluated: 2025-06-29. Review status: criteria provided, single submitter. Criteria: Ambry Variant Classification Scheme 2023. Collection method: clinical testing. Allele origin: germline.
Comment: The p.V117A variant (also known as c.350T>C), located in coding exon 4 of the FANCA gene, results from a T to C substitution at nucleotide position 350. The valine at codon 117 is replaced by alanine, an amino acid with similar properties. This amino acid position is conserved. In addition, this alteration is predicted to be tolerated by in silico analysis. Based on the available evidence, the clinical significance of this variant remains unclear.